The following is an entry in ClinVar:

ClinVar aggregate classification (germline): Pathogenic/Likely pathogenic. Review status: criteria provided, multiple submitters, no conflicts (2 of 4 stars). 9 submissions from 9 submitters: Pathogenic (7); Likely pathogenic (1). 1 of the submissions does not count toward it. Last evaluated 2026-01-27.

Conditions:
Cardiovascular phenotype. Identifiers: MedGen CN230736.
Amyloidosis, hereditary systemic 1 (AMYLD1). Also called: Transthyretin Amyloidosis; Hereditary oculoleptomeningeal amyloid angiopathy; Familial Transthyretin Amyloidosis; AMYLOID CARDIOMYOPATHY; Isolated Cardiac Amyloidosis; Amyloid Cardiomyopathy, Transthyretin-related. Identifiers: Orphanet 85447, Orphanet 85451, MedGen C2751492, MONDO:0971004, OMIM 105210.

Allele frequency attached by ClinVar (database versions not stated): TOPMed 0.00002.

Submissions (9):

Labcorp Genetics (formerly Invitae), Labcorp
Classification: Pathogenic for Amyloidosis, hereditary systemic 1. Last evaluated: 2026-01-27. Review status: criteria provided, single submitter. Criteria: Invitae Variant Classification Sherloc (09022015). Collection method: clinical testing. Allele origin: germline.
Comment: This sequence change replaces leucine, which is neutral and non-polar, with histidine, which is basic and polar, at codon 78 of the TTR protein (p.Leu78His). This variant is not present in population databases (gnomAD no frequency). This missense change has been observed in individuals with hereditary transthyretin-mediated amyloidosis (hATTR amyloidosis) (PMID: 2613237, 9196903, 17503405, 20209591, 25526974, 27724962). This variant is also known as p.Leu58His. ClinVar contains an entry for this variant (Variation ID: 13420). Invitae Evidence Modeling of protein sequence and biophysical properties (such as structural, functional, and spatial information, amino acid conservation, physicochemical variation, residue mobility, and thermodynamic stability) indicates that this missense variant is expected to disrupt TTR protein function with a positive predictive value of 95%. Experimental studies have shown that this missense change affects TTR function (PMID: 15820680, 19602727). For these reasons, this variant has been classified as Pathogenic.

Ambry Genetics
Classification: Pathogenic for Cardiovascular phenotype. Last evaluated: 2025-03-24. Review status: criteria provided, single submitter. Criteria: Ambry Variant Classification Scheme 2023. Collection method: clinical testing. Allele origin: germline.
Comment: The p.L78H pathogenic mutation (also known as c.233T>A and L58H), located in coding exon 3 of the TTR gene, results from a T to A substitution at nucleotide position 233. The leucine at codon 78 is replaced by histidine, an amino acid with similar properties. This variant was reported in individual(s) with features consistent with hereditary transthyretin-related amyloidosis (Nichols WC, et al. Genomics 1989;5(3):535-40; Barreiros AP, et al. Liver Transpl. 2010;16(3):314-23; Connors LH, et al. Biochim. Biophys. Acta 1998;1407(3):185-92; Ungerer MN et al. Amyloid, 2020 Dec;1-9). In two additional studies, a small difference in the crystal structure of this variant compared with wild type was noted and the variant was shown to unfold 90% at 2.5M urea, indicating decreased conformation stability in the folded state (Altland K, et al. Electrophoresis 2007;28(12):2053-64; Cendron L, et al. J. Biol. Chem. 2009 Sep; 284(38):25832-41). Based on internal structural analysis, this variant is anticipated to result in a significant decrease in structural stability (Zhang J et al. Environ Sci Technol, 2018 10;52:11865-11874). This amino acid position is highly conserved in available vertebrate species. In addition, this alteration is predicted to be deleterious by in silico analysis. This variant is considered to be rare based on population cohorts in the Genome Aggregation Database (gnomAD). Based on the supporting evidence, this alteration is interpreted as a disease-causing mutation.

GeneDx
Classification: Pathogenic. Last evaluated: 2024-12-06. Review status: criteria provided, single submitter. Criteria: GeneDx Variant Classification Process June 2021. Collection method: clinical testing. Allele origin: germline. Affected: yes.
Comment: Identified in association with amyloidosis and amyloidotic polyneuropathy; also reported as L58H due to alternative nomenclature (PMID: 20209591, 2613237, 26656838, 27724962, 34658264, 34461735, 33283548); In silico analysis supports that this missense variant has a deleterious effect on protein structure/function; Truncating variants in this gene are considered pathogenic by a well-established clinical consortium and/or database; Not observed at significant frequency in large population cohorts (gnomAD); This variant is associated with the following publications: (PMID: 1644839, 17503405, 19602727, 22620962, 25526974, 2613237, 27724962, 17143887, 1656975, 25604431, 26656838, 34461735, 34658264, 33283548, 37014422, 20209591, 15820680)

Mayo Clinic Laboratories, Mayo Clinic
Classification: Pathogenic. Last evaluated: 2024-09-09. Review status: criteria provided, single submitter. Criteria: ACMG Guidelines, 2015. Collection method: clinical testing. Allele origin: germline. Observed: 3 variant alleles.

Institute of Human Genetics, University of Leipzig Medical Center
Classification: Likely pathogenic for Amyloidosis, hereditary systemic 1. Last evaluated: 2022-05-31. Review status: criteria provided, single submitter. Criteria: ACMG Guidelines, 2015. Collection method: clinical testing. Allele origin: paternal. Affected: yes.
Comment: _x000D_ Criteria applied: PS3, PM2_SUP, PM1_SUP, PM5, PS4_MOD

CeGaT Center for Human Genetics Tuebingen
Classification: Pathogenic. Last evaluated: 2021-06-01. Review status: criteria provided, single submitter. Criteria: CeGaT Center For Human Genetics Tuebingen Variant Classification Criteria Version 2. Collection method: clinical testing. Allele origin: germline. Affected: yes. Observed: 1 variant allele.

Women's Health and Genetics/Laboratory Corporation of America, LabCorp
Classification: Pathogenic for Amyloidosis, hereditary systemic 1. Last evaluated: 2016-11-10. Review status: criteria provided, single submitter. Criteria: LabCorp Variant Classification Summary - May 2015. Collection method: clinical testing. Allele origin: germline.
Comment: Variant summary: The TTR c.233T>A (p.Leu78His) variant indicated to be located in the loop region (Cendron_2009) causes a missense change involving a conserved nucleotide with 4/4 in silico tools (SNPs&GO not captured due to low reliability index) predict a damaging outcome for this variant. In addition, mutations in this residue (L78R) and in nearby residues (H76R, G77R, T79R, T79K) have been reported in association with amyloidosis, further supporting the functional importance of this region of the protein. The variant of interest was not observed in controls (ExAC, 1000 Gs, or ESP) and is a common TTR disease variant that is reported to be detected in >50 published cases, usually presenting with carpal tunnel syndrome and slowly progressing over two decades (Miller_2004). Multiple clinical diagnostic laboratories/databases cite the variant as "pathogenic." Therefore, the variant of interest has been classified as Pathogenic.

Athena Diagnostics
Classification: Pathogenic. Last evaluated: 2016-07-25. Review status: criteria provided, single submitter. Criteria: Athena Diagnostics Criteria. Collection method: clinical testing. Allele origin: germline.

OMIM
Classification: Pathogenic for AMYLOIDOSIS, HEREDITARY SYSTEMIC 1. Last evaluated: 2001-02-27. Review status: no assertion criteria provided. Collection method: literature only. Allele origin: germline. Not counted in ClinVar's aggregate classification.

Literature cited by the submitters: PubMed 2613237 (cited by 4 submitters); PubMed 9196903 (cited by Labcorp Genetics (formerly Invitae), Labcorp and Ambry Genetics); PubMed 17503405 (cited by 3 submitters); PubMed 20209591 (cited by 4 submitters); PubMed 25526974 (cited by Labcorp Genetics (formerly Invitae), Labcorp and Athena Diagnostics); PubMed 27724962 (cited by Labcorp Genetics (formerly Invitae), Labcorp); PubMed 15820680 (cited by Labcorp Genetics (formerly Invitae), Labcorp and Athena Diagnostics); PubMed 19602727 (cited by 4 submitters); PubMed 22620962 (cited by Ambry Genetics and Athena Diagnostics); PubMed 30226982 (cited by Ambry Genetics); PubMed 33283548 (cited by Ambry Genetics); PubMed 9748569 (cited by Ambry Genetics and Women's Health and Genetics/Laboratory Corporation of America, LabCorp); PubMed 25743445 (cited by Women's Health and Genetics/Laboratory Corporation of America, LabCorp); PubMed 26656838 (cited by Women's Health and Genetics/Laboratory Corporation of America, LabCorp and Athena Diagnostics); PubMed 14968122 (cited by Women's Health and Genetics/Laboratory Corporation of America, LabCorp); PubMed 15217993 (cited by Athena Diagnostics); PubMed 17143887 (cited by Athena Diagnostics); PubMed 2360796 (cited by Athena Diagnostics and OMIM); PubMed 25211232 (cited by Athena Diagnostics); PubMed 4884226 (cited by OMIM); PubMed 13367520 (cited by OMIM); Nichols, W. C., Liepnieks, J. J., McKusick, V. A., Benson, M. D. A prealbumin (transthyretin) mutation associated with familial amyloidotic polyneuropathy type II (Maryland/German). (Abstract) Clin. Res. 37: 542A, 1989. (cited by OMIM); PubMed 11261421 (cited by OMIM); Benson, M. D. Characterization of an amyloid fibril protein in heredofamilial amyloidosis. (Abstract) Clin. Res. 28: 340A, 1980. (cited by OMIM); Shulman, L. E., Bartter, F. C. Familial primary amyloidosis. (Abstract) Bull. Johns Hopkins Hosp. 98: 238-239, 1956. (cited by OMIM); PubMed 14404854 (cited by OMIM); PubMed 13593935 (cited by OMIM); PubMed 4952599 (cited by OMIM); PubMed 7018469 (cited by OMIM); PubMed 1729888 (cited by OMIM); PubMed 19644733 (cited by OMIM); PubMed 8990019 (cited by OMIM).

NM_000371.4(TTR):c.233T>A (p.Leu78His)

Gene: TTR (transthyretin; plus strand). Cytogenetic location: 18q12.1.
Variant type: single nucleotide variant.
Coding change: c.233T>A on transcript NM_000371.4 (MANE Select); coding-DNA position 233, T replaced by A.
Protein change: p.Leu78His; replaces leucine 78 with histidine.
Molecular consequence: missense variant.
Genome position (GRCh38, 1-based): chr18:31,595,152, T>A. VCF-style: chr18-31595152-T-A. GRCh37 (hg19) VCF-style: chr18-29175115-T-A.
Other names: L58H; p.L78H:CTC>CAC; short protein forms L78H.
Identifiers: ClinVar variation 13420 (VCV000013420.53), dbSNP rs121918069, ClinGen allele CA256796.
Genomic context (GRCh38, chr18:31,595,152, plus strand): 5'-ACTTAATCCAGACTTTCACACCTTATAGGAAAACCAGTGAGTCTGGAGAGCTGCATGGGC[T>A]CACAACTGAGGAGGAATTTGTAGAAGGGATATACAAAGTGGAAATAGACACCAAATCTTA-3'
Protein context (NP_000362.1, residues 68-88): KTSESGELHG[Leu78His]TTEEEFVEGI